The following is an entry in ClinVar:

NM_199242.3(UNC13D):c.2137G>A (p.Gly713Ser)

Gene: UNC13D (unc-13 homolog D; minus strand). Cytogenetic location: 17q25.1.
Variant type: single nucleotide variant.
Coding change: c.2137G>A on transcript NM_199242.3 (MANE Select); coding-DNA position 2137, G replaced by A.
Protein change: p.Gly713Ser; replaces glycine 713 with serine.
Molecular consequence: missense variant.
Genome position (GRCh38, 1-based): chr17:75,834,486, C>T on the plus strand (G>A on the coding strand, the complement: UNC13D is on the minus strand). VCF-style: chr17-75834486-C-T. GRCh37 (hg19) VCF-style: chr17-73830567-C-T.
Other names: short protein forms G713S.
Identifiers: ClinVar variation 950291 (VCV000950291.11), dbSNP rs115353346, ClinGen allele CA8772655.
Genomic context (GRCh38, chr17:75,834,486, plus strand): 5'-CCAGCACGGCCCCTACCCGCTGCTCCAGGGCCTCCCATGCCAGCTGGGCGGGCAACTTGC[C>T]GATCACCAGCCGCAGCTGCTCCATGTCATTCACCACCACACACAGCTGGGACAGAGATGC-3'
Protein context (NP_954712.1, residues 703-723): NDMEQLRLVI[Gly713Ser]KLPAQLAWEA

ClinVar aggregate classification (germline): Uncertain significance. Review status: criteria provided, multiple submitters, no conflicts (2 of 4 stars). 4 submissions from 4 submitters: Uncertain significance (4). Last evaluated 2025-12-15.

Conditions:
Inborn genetic diseases. Identifiers: MedGen C0950123, MeSH D030342.
Familial hemophagocytic lymphohistiocytosis 3 (FHL3). Also called: UNC13D-Related Familial Hemophagocytic Lymphohistiocytosis (UNC13D-fHLH). Identifiers: Orphanet 540, MedGen C1837174, MONDO:0012146, OMIM 608898.
Autoinflammatory syndrome. Identifiers: Orphanet 93665, MedGen C3890737, MONDO:0019751.

Allele frequency attached by ClinVar (database versions not stated): 1000 Genomes Project 0.00020; 1000 Genomes Project 30x 0.00031; TOPMed 0.00003; gnomAD 0.00004 and 0.00005; gnomAD exomes 0.00004 and 0.00003; ExAC 0.00003.
gnomAD v4.1: 59 of 1,569,144 alleles (0.0038%); highest among the groups gnomAD compares: African/African-American, 0.0067%; no homozygotes.

Submissions (4):

Labcorp Genetics (formerly Invitae), Labcorp
Classification: Uncertain significance for Familial hemophagocytic lymphohistiocytosis 3. Last evaluated: 2025-12-15. Review status: criteria provided, single submitter. Criteria: Invitae Variant Classification Sherloc (09022015). Collection method: clinical testing. Allele origin: germline.
Comment: This sequence change replaces glycine, which is neutral and non-polar, with serine, which is neutral and polar, at codon 713 of the UNC13D protein (p.Gly713Ser). The frequency data for this variant in the population databases is considered unreliable, as metrics indicate poor data quality at this position in the gnomAD database. This variant has not been reported in the literature in individuals affected with UNC13D-related conditions. ClinVar contains an entry for this variant (Variation ID: 950291). Invitae Evidence Modeling of protein sequence and biophysical properties (such as structural, functional, and spatial information, amino acid conservation, physicochemical variation, residue mobility, and thermodynamic stability) indicates that this missense variant is not expected to disrupt UNC13D protein function with a negative predictive value of 80%. In summary, the available evidence is currently insufficient to determine the role of this variant in disease. Therefore, it has been classified as a Variant of Uncertain Significance.

Fulgent Genetics
Classification: Uncertain significance for Familial hemophagocytic lymphohistiocytosis 3. Last evaluated: 2022-03-31. Review status: criteria provided, single submitter. Criteria: ACMG Guidelines, 2015. Collection method: clinical testing. Allele origin: unknown.

Ambry Genetics
Classification: Uncertain significance for Inborn genetic diseases. Last evaluated: 2021-09-16. Review status: criteria provided, single submitter. Criteria: Ambry Variant Classification Scheme 2023. Collection method: clinical testing. Allele origin: germline.

Genome Diagnostics Laboratory, The Hospital for Sick Children
Classification: Uncertain significance for Autoinflammatory syndrome. Last evaluated: 2021-02-18. Review status: criteria provided, single submitter. Criteria: ACMG Guidelines, 2015. Collection method: clinical testing. Allele origin: germline. Affected: yes.